The following is an entry in ClinVar:

ClinVar aggregate classification (germline): Uncertain significance. Review status: criteria provided, multiple submitters, no conflicts (2 of 4 stars). 3 submissions from 3 submitters: Uncertain significance (3). Last evaluated 2023-01-18.

Conditions:
Spermatogenic failure 28. Identifiers: MedGen C4748117, MONDO:0054732, OMIM 618086.
Premature ovarian failure 15. Identifiers: MedGen C4748170, MONDO:0054862, OMIM 618096.
Fanconi anemia (FA). Also called: Fanconi's anemia. Identifiers: Orphanet 84, MedGen C0015625, MeSH D005199, MONDO:0019391.

Allele frequency attached by ClinVar (database versions not stated): gnomAD 0.00001; ExAC 0.00002; gnomAD exomes 0.00002; TOPMed 0.00003.
gnomAD v4.1: 27 of 1,614,026 alleles (0.0017%); highest among the groups gnomAD compares: Admixed American, 0.0033%; no homozygotes.

Submissions (3):

Labcorp Genetics (formerly Invitae), Labcorp
Classification: Uncertain significance for Fanconi anemia. Last evaluated: 2023-01-18. Review status: criteria provided, single submitter. Criteria: Invitae Variant Classification Sherloc (09022015). Collection method: clinical testing. Allele origin: germline.
Comment: In summary, the available evidence is currently insufficient to determine the role of this variant in disease. Therefore, it has been classified as a Variant of Uncertain Significance. Algorithms developed to predict the effect of missense changes on protein structure and function are either unavailable or do not agree on the potential impact of this missense change (SIFT: "Deleterious"; PolyPhen-2: "Probably Damaging"; Align-GVGD: "Class C0"). ClinVar contains an entry for this variant (Variation ID: 1016595). This variant has not been reported in the literature in individuals affected with FANCM-related conditions. This variant is present in population databases (rs775021812, gnomAD 0.003%). This sequence change replaces valine, which is neutral and non-polar, with isoleucine, which is neutral and non-polar, at codon 1845 of the FANCM protein (p.Val1845Ile).

Fulgent Genetics
Classification: Uncertain significance for Spermatogenic failure 28; Premature ovarian failure 15. Last evaluated: 2022-03-03. Review status: criteria provided, single submitter. Criteria: ACMG Guidelines, 2015. Collection method: clinical testing. Allele origin: unknown.

GeneDx
Classification: Uncertain significance. Last evaluated: 2020-07-21. Review status: criteria provided, single submitter. Criteria: GeneDx Variant Classification Process June 2021. Collection method: clinical testing. Allele origin: germline. Affected: yes.
Comment: Not observed at a significant frequency in large population cohorts (Lek et al., 2016); In silico analysis supports that this missense variant does not alter protein structure/function; Has not been previously published as pathogenic or benign to our knowledge

NM_020937.4(FANCM):c.5533G>A (p.Val1845Ile)

Gene: FANCM (FA complementation group M; plus strand). Cytogenetic location: 14q21.2.
Variant type: single nucleotide variant.
Coding change: c.5533G>A on transcript NM_020937.4 (MANE Select); coding-DNA position 5533, G replaced by A.
Protein change: p.Val1845Ile; replaces valine 1845 with isoleucine.
Molecular consequence: missense variant.
Genome position (GRCh38, 1-based): chr14:45,196,364, G>A. VCF-style: chr14-45196364-G-A. GRCh37 (hg19) VCF-style: chr14-45665567-G-A.
Other names: c.5455G>A, p.Val1819Ile (NM_001308133.2); short protein forms V1819I, V1845I.
Identifiers: ClinVar variation 1016595 (VCV001016595.9), dbSNP rs775021812, ClinGen allele CA7170018.